The following is an entry in ClinVar:

NM_001110556.2(FLNA):c.3775C>G (p.Gln1259Glu)

Gene: FLNA (filamin A; minus strand). Cytogenetic location: Xq28.
Variant type: single nucleotide variant.
Coding change: c.3775C>G on transcript NM_001110556.2 (MANE Select); coding-DNA position 3775, C replaced by G.
Protein change: p.Gln1259Glu; replaces glutamine 1259 with glutamic acid.
Molecular consequence: missense variant.
Genome position (GRCh38, 1-based): chrX:154,360,020, G>C on the plus strand (C>G on the coding strand, the complement: FLNA is on the minus strand). VCF-style: chrX-154360020-G-C. GRCh37 (hg19) VCF-style: chrX-153588388-G-C.
Other names: c.3775C>G, p.Gln1259Glu (NM_001456.4); short protein forms Q1259E.
Identifiers: ClinVar variation 2626172 (VCV002626172.2), dbSNP rs1557177663, ClinGen allele CA415222635.

ClinVar aggregate classification (germline): Uncertain significance (1 of 4 stars; one submission).

Conditions:
Familial thoracic aortic aneurysm and aortic dissection (TAAD). Also called: Thoracic aortic aneurysms and dissections. Identifiers: Orphanet 91387, MedGen C4707243, MONDO:0019625.

Submission:

Ambry Genetics
Classification: Uncertain significance for Familial thoracic aortic aneurysm and aortic dissection. Last evaluated: 2023-08-23. Review status: criteria provided, single submitter. Criteria: Ambry Variant Classification Scheme 2023. Collection method: clinical testing. Allele origin: germline.
Comment: The p.Q1259E variant (also known as c.3775C>G), located in coding exon 21 of the FLNA gene, results from a C to G substitution at nucleotide position 3775. The glutamine at codon 1259 is replaced by glutamic acid, an amino acid with highly similar properties. This amino acid position is not well conserved in available vertebrate species. In addition, this alteration is predicted to be tolerated by in silico analysis. Since supporting evidence is limited at this time, the clinical significance of this alteration remains unclear.